The following is an entry in ClinVar:

NM_207361.6(FREM2):c.2463C>A (p.Tyr821Ter)

Gene: FREM2 (FRAS1 related extracellular matrix 2; plus strand). Cytogenetic location: 13q13.3.
Variant type: single nucleotide variant.
Coding change: c.2463C>A on transcript NM_207361.6 (MANE Select); coding-DNA position 2463, C replaced by A.
Protein change: p.Tyr821Ter; replaces tyrosine 821 with a stop codon.
Molecular consequence: nonsense.
Genome position (GRCh38, 1-based): chr13:38,689,807, C>A. VCF-style: chr13-38689807-C-A. GRCh37 (hg19) VCF-style: chr13-39263944-C-A.
Other names: short protein forms Y821*.
Identifiers: ClinVar variation 4850065 (VCV004850065.1).

ClinVar aggregate classification (germline): Likely pathogenic (1 of 4 stars; one submission).

Conditions:
Isolated cryptophthalmia. Also called: Cryptophthalmos, unilateral or bilateral, isolated; ANKYLOBLEPHARON, SIMPLE. Identifiers: Orphanet 91396, MedGen C1852453, MONDO:0007410, OMIM 123570.

Submission:

Variantyx, Inc.
Classification: Likely pathogenic for Isolated cryptophthalmia. Last evaluated: 2025-10-02. Review status: criteria provided, single submitter. Criteria: Variantyx Assertion Criteria 2022. Collection method: clinical testing. Allele origin: germline. Inheritance: Autosomal recessive inheritance. Affected: no.
Comment: This is a nonsense variant in the FREM2 gene (OMIM: 608945). Pathogenic variants in this gene have been associated with autosomal recessive isolated cryptophthalmos, unilateral or bilateral. This variant introduces a premature termination codon in exon 1 out of 24 and is expected to result in loss of function, which is a known disease mechanism for FREM2 in this disorder (PMID: 30802441) (PVS1). This variant is absent from control populations (PM2). Based on the current evidence, this variant is classified as likely pathogenic for autosomal recessive isolated cryptophthalmos, unilateral or bilateral.No other variant of clinical significance was identified in the FREM2 gene.

Literature cited by the submitters: PubMed 30802441.